The following is an entry in ClinVar:

NM_020821.3(VPS13C):c.8716-10A>G

Gene: VPS13C (vacuolar protein sorting 13 homolog C; minus strand). Cytogenetic location: 15q22.2.
Variant type: single nucleotide variant.
Coding change: c.8716-10A>G on transcript NM_020821.3 (MANE Select); 10 bases into the intron before coding-DNA position 8716, A replaced by G.
Molecular consequence: intron variant.
Genome position (GRCh38, 1-based): chr15:61,910,315, T>C on the plus strand (A>G on the coding strand, the complement: VPS13C is on the minus strand). VCF-style: chr15-61910315-T-C. GRCh37 (hg19) VCF-style: chr15-62202514-T-C.
Other names: c.8716-10A>G (NM_020821.2, NM_001018088.3); c.8587-10A>G (NM_017684.5, NM_018080.4).
Identifiers: ClinVar variation 1592520 (VCV001592520.10), dbSNP rs200603241, ClinGen allele CA7594894.

ClinVar aggregate classification (germline): Likely benign. Review status: criteria provided, single submitter (1 of 4 stars). 2 submissions from 2 submitters: Likely benign (1). 1 of the submissions does not count toward it. Last evaluated 2021-04-18.

Conditions:
VPS13C-related disorder. Also called: VPS13C-related condition.

Allele frequency attached by ClinVar (database versions not stated): gnomAD exomes 0.00005 and 0.00006; ExAC 0.00008; gnomAD 0.00009; TOPMed 0.00011; ESP Exome Variant Server 0.00015; 1000 Genomes Project 30x 0.00016; 1000 Genomes Project 0.00020.
gnomAD v4.1: 83 of 1,502,776 alleles (0.0055%); highest among the groups gnomAD compares: Middle Eastern, 0.072%; no homozygotes.

Submissions (2):

Labcorp Genetics (formerly Invitae), Labcorp
Classification: Likely benign. Last evaluated: 2021-04-18. Review status: criteria provided, single submitter. Criteria: Invitae Variant Classification Sherloc (09022015). Collection method: clinical testing. Allele origin: germline.

PreventionGenetics, part of Exact Sciences
Classification: Likely benign for VPS13C-related condition. Last evaluated: 2019-04-01. Review status: no assertion criteria provided. Collection method: clinical testing. Allele origin: germline. Not counted in ClinVar's aggregate classification.
Comment: This variant is classified as likely benign based on ACMG/AMP sequence variant interpretation guidelines (Richards et al. 2015 PMID: 25741868, with internal and published modifications).